The following is an entry in ClinVar:

ClinVar aggregate classification (germline): Uncertain significance. Review status: criteria provided, multiple submitters, no conflicts (2 of 4 stars). 2 submissions from 2 submitters: Uncertain significance (2). Last evaluated 2023-08-07.

Submissions (2):

GeneDx
Classification: Uncertain significance. Last evaluated: 2023-08-07. Review status: criteria provided, single submitter. Criteria: GeneDx Variant Classification Process June 2021. Collection method: clinical testing. Allele origin: germline. Affected: yes.
Comment: Not observed at significant frequency in large population cohorts (gnomAD); In silico analysis supports that this missense variant has a deleterious effect on protein structure/function; Has not been previously published as pathogenic or benign to our knowledge

Labcorp Genetics (formerly Invitae), Labcorp
Classification: Uncertain significance. Last evaluated: 2022-12-02. Review status: criteria provided, single submitter. Criteria: Invitae Variant Classification Sherloc (09022015). Collection method: clinical testing. Allele origin: germline.
Comment: In summary, the available evidence is currently insufficient to determine the role of this variant in disease. Therefore, it has been classified as a Variant of Uncertain Significance. Algorithms developed to predict the effect of missense changes on protein structure and function are either unavailable or do not agree on the potential impact of this missense change (SIFT: "Deleterious"; PolyPhen-2: "Probably Damaging"; Align-GVGD: "Class C0"). This variant has not been reported in the literature in individuals affected with DNM1L-related conditions. This variant is not present in population databases (gnomAD no frequency). This sequence change replaces glycine, which is neutral and non-polar, with serine, which is neutral and polar, at codon 91 of the DNM1L protein (p.Gly91Ser).

NM_012062.5(DNM1L):c.271G>A (p.Gly91Ser)

Gene: DNM1L (dynamin 1 like; plus strand). Cytogenetic location: 12p11.21.
Variant type: single nucleotide variant.
Coding change: c.271G>A on transcript NM_012062.5 (MANE Select); coding-DNA position 271, G replaced by A.
Protein change: p.Gly91Ser; replaces glycine 91 with serine.
Molecular consequence: missense variant. On other transcripts: synonymous variant (1).
Genome position (GRCh38, 1-based): chr12:32,707,387, G>A. VCF-style: chr12-32707387-G-A. GRCh37 (hg19) VCF-style: chr12-32860321-G-A.
Other names: c.271G>A (NM_012062.3); c.271G>A, p.Gly91Ser (NM_001278463.2, NM_005690.5, NM_012063.4); c.310G>A, p.Gly104Ser (NM_001278464.2, NM_001278465.2, NM_001330380.2); c.105G>A, p.Gly35= (NM_001278466.2); short protein forms G91S, G104S.
Identifiers: ClinVar variation 2817995 (VCV002817995.4), dbSNP rs2540998516, ClinGen allele CA384365745.